The following is an entry in ClinVar:

NM_000512.5(GALNS):c.158C>T (p.Ser53Phe)

Gene: GALNS (galactosamine (N-acetyl)-6-sulfatase; minus strand). Cytogenetic location: 16q24.3.
Variant type: single nucleotide variant.
Coding change: c.158C>T on transcript NM_000512.5 (MANE Select); coding-DNA position 158, C replaced by T.
Protein change: p.Ser53Phe; replaces serine 53 with phenylalanine.
Molecular consequence: missense variant. On other transcripts: intron variant (1).
Genome position (GRCh38, 1-based): chr16:88,842,792, G>A on the plus strand (C>T on the coding strand, the complement: GALNS is on the minus strand). VCF-style: chr16-88842792-G-A. GRCh37 (hg19) VCF-style: chr16-88909200-G-A.
Other names: c.176C>T, p.Ser59Phe (NM_001323544.2); c.-311-821C>T (NM_001323543.2); short protein forms S53F, S59F.
Identifiers: ClinVar variation 1048266 (VCV001048266.3), dbSNP rs1421990673, ClinGen allele CA397091853.

ClinVar aggregate classification (germline): Uncertain significance (1 of 4 stars; one submission).

Conditions:
Mucopolysaccharidosis, MPS-IV-A (MPS4A). Also called: Mucopolysaccharidosis type IV A; Mucopolysaccharidosis Type IVA; Morquio syndrome A, mild; MORQUIO SYNDROME A; MPS IVA; mucopolysaccharidosis type 4A. Identifiers: Orphanet 309297, Orphanet 582, MedGen C0086651, MONDO:0009659, OMIM 253000.

Allele frequency attached by ClinVar (database versions not stated): gnomAD exomes below 0.00001.
gnomAD v4.1: 2 of 1,613,464 alleles (0.00012%); highest among the groups gnomAD compares: East Asian, 0.0022%; no homozygotes.

Submission:

Laboratory of Diagnosis and Therapy of Lysosomal Disorders, University of Padova
Classification: Uncertain significance for Mucopolysaccharidosis, MPS-IV-A. Last evaluated: 2021-02-01. Review status: criteria provided, single submitter. Criteria: ACMG Guidelines, 2015. Collection method: curation. Allele origin: germline. Affected: yes.
Comment: The prevalence of the variant in affected individuals is significantly increased compared with the prevalence in controls (PS4_supporting); absent from gnomAD v2.1.1 (PM2_moderate); multiple lines of computational evidence support a deleterious effect on the gene (PP3_supporting)

Literature cited by the submitters: PubMed 16287098; PubMed 34387910.